The following is an entry in ClinVar:

NM_022489.4(INF2):c.739G>C (p.Ala247Pro)

Gene: INF2 (inverted formin 2; plus strand). Cytogenetic location: 14q32.33.
Variant type: single nucleotide variant.
Coding change: c.739G>C on transcript NM_022489.4 (MANE Select); coding-DNA position 739, G replaced by C.
Protein change: p.Ala247Pro; replaces alanine 247 with proline.
Molecular consequence: missense variant.
Genome position (GRCh38, 1-based): chr14:104,706,072, G>C. VCF-style: chr14-104706072-G-C. GRCh37 (hg19) VCF-style: chr14-105172409-G-C.
Other names: c.739G>C, p.Ala247Pro (NM_001031714.4); short protein forms A247P.
Identifiers: ClinVar variation 1678594 (VCV001678594.3), dbSNP rs991189454, ClinGen allele CA391213953.

ClinVar aggregate classification (germline): Uncertain significance. Review status: criteria provided, multiple submitters, no conflicts (2 of 4 stars). 2 submissions from 2 submitters: Uncertain significance (2). Last evaluated 2024-04-15.

Conditions:
Focal segmental glomerulosclerosis 5 (FSGS5). Identifiers: Orphanet 656, MedGen C2750475, MONDO:0013191, OMIM 613237.
Charcot-Marie-Tooth disease dominant intermediate E. Also called: CHARCOT-MARIE-TOOTH NEUROPATHY WITH FOCAL SEGMENTAL GLOMERULONEPHRITIS. Identifiers: Orphanet 93114, MedGen C4302667, MONDO:0013758, OMIM 614455.

Submissions (2):

Fulgent Genetics
Classification: Uncertain significance for Focal segmental glomerulosclerosis 5; Charcot-Marie-Tooth disease dominant intermediate E. Last evaluated: 2024-04-15. Review status: criteria provided, single submitter. Criteria: ACMG Guidelines, 2015. Collection method: clinical testing. Allele origin: germline.

Molecular Genetics, Royal Melbourne Hospital
Classification: Uncertain significance for Focal segmental glomerulosclerosis 5. Last evaluated: 2023-03-30. Review status: criteria provided, single submitter. Criteria: ACMG Guidelines, 2015. Collection method: clinical testing. Allele origin: germline. Affected: yes.
Comment: This sequence change is predicted to replace alanine with proline at codon 247 of the INF2 protein (p.(Ala247Pro)). The alanine residue is moderately conserved (100 vertebrates, UCSC), and is located in the diaphanous-inhibitory domain (DID), the domain in which all pathogenic variants are located (PMID: 20023659, 22187985). There is a small physicochemical difference between alanine and proline. The variant is absent in a large population cohort (gnomAD v2.1 and v3.1), and has not been reported in the relevant medical literature or databases. Multiple lines of computational evidence have conflicting predictions for the missense substitution (4/6 algorithms predict deleterious). Based on the classification scheme RMH Modified ACMG Guidelines v1.3.1, this variant is classified as a VARIANT OF UNCERTAIN SIGNIFICANCE. Following criteria are met: PM2_Supporting.

Literature cited by the submitters: PubMed 20023659 (cited by Molecular Genetics, Royal Melbourne Hospital); PubMed 22187985 (cited by Molecular Genetics, Royal Melbourne Hospital).